The following is an entry in ClinVar:

ClinVar aggregate classification (germline): Benign/Likely benign. Review status: criteria provided, multiple submitters, no conflicts (2 of 4 stars). 3 submissions from 3 submitters: Benign (1); Likely benign (1). 1 of the submissions does not count toward it. Last evaluated 2026-01-09.

Conditions:
CUL7-related disorder. Also called: CUL7-related condition.

Allele frequency attached by ClinVar (database versions not stated): ExAC 0.00028; 1000 Genomes Project 30x 0.00047; 1000 Genomes Project 0.00060; gnomAD exomes 0.00025; gnomAD 0.00102 and 0.00111; TOPMed 0.00112; ESP Exome Variant Server 0.00131.

Submissions (3):

Labcorp Genetics (formerly Invitae), Labcorp
Classification: Benign. Last evaluated: 2026-01-09. Review status: criteria provided, single submitter. Criteria: Invitae Variant Classification Sherloc (09022015). Collection method: clinical testing. Allele origin: germline.

Blueprint Genetics
Classification: Likely benign. Last evaluated: 2024-08-20. Review status: criteria provided, single submitter. Criteria: ACMG Guidelines, 2015. Collection method: clinical testing. Allele origin: germline.

PreventionGenetics, part of Exact Sciences
Classification: Likely benign for CUL7-related condition. Last evaluated: 2019-09-11. Review status: no assertion criteria provided. Collection method: clinical testing. Allele origin: germline. Not counted in ClinVar's aggregate classification.
Comment: This variant is classified as likely benign based on ACMG/AMP sequence variant interpretation guidelines (Richards et al. 2015 PMID: 25741868, with internal and published modifications).

NM_014780.5(CUL7):c.3768C>T (p.Ser1256=)

Gene: CUL7 (cullin 7; minus strand). Cytogenetic location: 6p21.1.
Variant type: single nucleotide variant.
Coding change: c.3768C>T on transcript NM_014780.5 (MANE Select); coding-DNA position 3768, C replaced by T.
Protein change: p.Ser1256=; no amino-acid change (serine 1256 retained).
Molecular consequence: synonymous variant.
Genome position (GRCh38, 1-based): chr6:43,040,953, G>A on the plus strand (C>T on the coding strand, the complement: CUL7 is on the minus strand). VCF-style: chr6-43040953-G-A. GRCh37 (hg19) VCF-style: chr6-43008691-G-A.
Other names: c.3864C>T, p.Ser1288= (NM_001168370.2, NM_001374872.1); c.3768C>T, p.Ser1256= (NM_001374873.1); c.3765C>T, p.Ser1255= (NM_001374874.1).
Identifiers: ClinVar variation 735879 (VCV000735879.12), dbSNP rs138763036, ClinGen allele CA3813397.